The following is an entry in ClinVar:

ClinVar aggregate classification (germline): Uncertain significance. Review status: criteria provided, multiple submitters, no conflicts (2 of 4 stars). 2 submissions from 2 submitters: Uncertain significance (2). Last evaluated 2025-03-27.

Conditions:
Inborn genetic diseases. Identifiers: MedGen C0950123, MeSH D030342.

Allele frequency attached by ClinVar (database versions not stated): gnomAD exomes below 0.00001; TOPMed below 0.00001; ExAC 0.00001; gnomAD 0.00001.
gnomAD v4.1: 3 of 1,613,994 alleles (0.00019%); highest among the groups gnomAD compares: African/African-American, 0.0027%; no homozygotes.

Submissions (2):

GeneDx
Classification: Uncertain significance. Last evaluated: 2025-03-27. Review status: criteria provided, single submitter. Criteria: GeneDx Variant Classification Process June 2021. Collection method: clinical testing. Allele origin: germline. Affected: yes.
Comment: Not observed at significant frequency in large population cohorts (gnomAD); In silico analysis supports that this missense variant has a deleterious effect on protein structure/function; Has not been previously published as pathogenic or benign to our knowledge

Ambry Genetics
Classification: Uncertain significance for Inborn genetic diseases. Last evaluated: 2022-10-05. Review status: criteria provided, single submitter. Criteria: Ambry Variant Classification Scheme 2023. Collection method: clinical testing. Allele origin: germline.

NM_018206.6(VPS35):c.1447G>T (p.Asp483Tyr)

Gene: VPS35 (VPS35 retromer complex component; minus strand). Cytogenetic location: 16q11.2.
Variant type: single nucleotide variant.
Coding change: c.1447G>T on transcript NM_018206.6 (MANE Select); coding-DNA position 1447, G replaced by T.
Protein change: p.Asp483Tyr; replaces aspartic acid 483 with tyrosine.
Molecular consequence: missense variant.
Genome position (GRCh38, 1-based): chr16:46,671,782, C>A on the plus strand (G>T on the coding strand, the complement: VPS35 is on the minus strand). VCF-style: chr16-46671782-C-A. GRCh37 (hg19) VCF-style: chr16-46705694-C-A.
Other names: short protein forms D483Y.
Identifiers: ClinVar variation 2317237 (VCV002317237.3), dbSNP rs751379541, ClinGen allele CA8036799.